The following is an entry in ClinVar:

NM_000545.8(HNF1A):c.-119G>A

Gene: HNF1A (HNF1 homeobox A; plus strand). Cytogenetic location: 12q24.31.
Variant type: single nucleotide variant.
Coding change: c.-119G>A on transcript NM_000545.8 (MANE Select); 119 bases upstream of the start codon, G replaced by A.
Molecular consequence: 5 prime UTR variant.
Genome position (GRCh38, 1-based): chr12:120,978,650, G>A. VCF-style: chr12-120978650-G-A. GRCh37 (hg19) VCF-style: chr12-121416453-G-A.
Other names: c.-119G>A (NM_001306179.2, NM_001406915.1).
Identifiers: ClinVar variation 3350786 (VCV003350786.3).

ClinVar aggregate classification (germline): Uncertain significance. Review status: criteria provided, multiple submitters, no conflicts (2 of 4 stars). 3 submissions from 3 submitters: Uncertain significance (2). 1 of the submissions does not count toward it. Last evaluated 2025-05-06.

Conditions:
Nonpapillary renal cell carcinoma. Identifiers: Orphanet 422526, MedGen CN074294, MONDO:0007763, OMIM 144700.
Type 1 diabetes mellitus 20 (T1D20). Also called: Diabetes mellitus, insulin-dependent, 20. Identifiers: MedGen C2675866, MONDO:0012919, OMIM 612520.
Hepatic adenomas, familial. Also called: LIVER CELL ADENOMAS, FAMILIAL; HEPATIC ADENOMA, SOMATIC. Identifiers: MedGen C1840646, MONDO:0007718, OMIM 142330.
Diabetes mellitus type 1 (T1D). Also called: Diabetes Mellitus, Juvenile-Onset; Type I diabetes mellitus. Identifiers: MedGen C0011854, MONDO:0005147, OMIM 222100, HP:0100651.
Type 2 diabetes mellitus. Also called: Type II diabetes mellitus. Identifiers: MedGen C0011860, MeSH D003924, MONDO:0005148, OMIM 125853, HP:0005978.
Maturity-onset diabetes of the young type 3. Also called: MODY type 3; MODY, type III. Identifiers: Orphanet 552, MedGen C1838100, MeSH C563933, MONDO:0010894, OMIM 600496. Disease mechanism: loss of function.
HNF1A-related disorder. Also called: HNF1A-related condition.

gnomAD v4.1: 22 of 947,560 alleles (0.0023%); highest among the groups gnomAD compares: African/African-American, 0.027%; no homozygotes.

Submissions (3):

Women's Health and Genetics/Laboratory Corporation of America, LabCorp
Classification: Uncertain significance. Last evaluated: 2025-05-06. Review status: criteria provided, single submitter. Criteria: LabCorp Variant Classification Summary - May 2015. Collection method: clinical testing. Allele origin: germline.
Comment: Variant summary: HNF1A c.-119G>A is located in the untranslated mRNA region upstream of the initiation codon. The variant allele was found at a frequency of 1.5e-05 in 195996 control chromosomes (gnomAD). The available data on variant occurrences in the general population are insufficient to allow any conclusion about variant significance. c.-119G>A has been observed in one individual affected with Maturity Onset Diabetes Of The Young 3 (Godart_2000). These report(s) do not provide unequivocal conclusions about association of the variant with Maturity Onset Diabetes Of The Young 3. To our knowledge, no experimental evidence demonstrating an impact on protein function has been reported. The following publication have been ascertained in the context of this evaluation (PMID: 10649494). ClinVar contains an entry for this variant (Variation ID: 3350786). Based on the evidence outlined above, the variant was classified as uncertain significance.

Fulgent Genetics
Classification: Uncertain significance for Type 2 diabetes mellitus; Hepatic adenomas, familial; Nonpapillary renal cell carcinoma; Diabetes mellitus type 1; Maturity-onset diabetes of the young type 3; Type 1 diabetes mellitus 20. Last evaluated: 2024-06-07. Review status: criteria provided, single submitter. Criteria: ACMG Guidelines, 2015. Collection method: clinical testing. Allele origin: germline.

PreventionGenetics, part of Exact Sciences
Classification: Uncertain significance for HNF1A-related condition. Last evaluated: 2024-03-04. Review status: no assertion criteria provided. Collection method: clinical testing. Allele origin: germline. Not counted in ClinVar's aggregate classification.
Comment: The HNF1A c.-119G>A variant is located in the 5' untranslated region. This variant has been reported in a family with maturity onset diabetes of the young (MODY), but the clinical significance is inconclusive (Godart et al. 2000. PubMed ID: 10649494). In the same study, a small deletion variant at the same nucleotide position designated c.-119delG has been reported to segregate with MODY in one family. The c.-119G>A variant is reported in 0.030% of alleles in individuals of African descent in gnomAD. At this time, the clinical significance of this variant is uncertain due to the absence of conclusive functional and genetic evidence.

Literature cited by the submitters: PubMed 10649494 (cited by Women's Health and Genetics/Laboratory Corporation of America, LabCorp).